The following is an entry in ClinVar:

ClinVar aggregate classification (germline): Likely pathogenic (1 of 4 stars; one submission).

Conditions:
Autosomal recessive limb-girdle muscular dystrophy type 2J (LGMDR10). Also called: Limb-girdle muscular dystrophy, type 2J; MUSCULAR DYSTROPHY, LIMB-GIRDLE, AUTOSOMAL RECESSIVE 10. Identifiers: Orphanet 140922, MedGen C1837342, MONDO:0012127, OMIM 608807.
Dilated cardiomyopathy 1G (CMD1G). Identifiers: Orphanet 154, MedGen C1858763, MONDO:0011400, OMIM 604145.

Submission:

Labcorp Genetics (formerly Invitae), Labcorp
Classification: Likely pathogenic for Dilated cardiomyopathy 1G; Autosomal recessive limb-girdle muscular dystrophy type 2J. Last evaluated: 2025-07-09. Review status: criteria provided, single submitter. Criteria: Invitae Variant Classification Sherloc (09022015). Collection method: clinical testing. Allele origin: germline.
Comment: This sequence change creates a premature translational stop signal (p.Tyr27241*) in the TTN gene. While this is not anticipated to result in nonsense mediated decay, it is expected to create a truncated TTN protein. This variant is not present in population databases (gnomAD no frequency). This variant has not been reported in the literature in individuals affected with TTN-related conditions. This variant is located in the A band of TTN (PMID: 25589632). Truncating variants in this region are significantly overrepresented in patients affected with dilated cardiomyopathy (PMID: 25589632). Truncating variants in this region have also been reported in individuals affected with autosomal recessive centronuclear myopathy (PMID: 23975875). In summary, the currently available evidence indicates that the variant is pathogenic, but additional data are needed to prove that conclusively. Therefore, this variant has been classified as Likely Pathogenic.

Literature cited by the submitters: PubMed 25589632; PubMed 23975875.

NM_001267550.2(TTN):c.81723T>G (p.Tyr27241Ter)

Genes: TTN-AS1 (TTN antisense RNA 1; plus strand), TTN (titin; minus strand). Cytogenetic location: 2q31.2.
Variant type: single nucleotide variant.
Coding change: c.81723T>G on transcript NM_001267550.2 (MANE Select); coding-DNA position 81723, T replaced by G.
Protein change: p.Tyr27241Ter; replaces tyrosine 27241 with a stop codon.
Molecular consequence: nonsense.
Genome position (GRCh38, 1-based): chr2:178,564,409, A>C on the plus strand (T>G on the coding strand, the complement: TTN is on the minus strand). VCF-style: chr2-178564409-A-C. GRCh37 (hg19) VCF-style: chr2-179429136-A-C.
Other names: c.76800T>G, p.Tyr25600Ter (NM_001256850.1); c.54528T>G, p.Tyr18176Ter (NM_003319.4); c.74019T>G, p.Tyr24673Ter (NM_133378.4); c.54903T>G, p.Tyr18301Ter (NM_133432.3); c.55104T>G, p.Tyr18368Ter (NM_133437.4); short protein forms Y18368*, Y25600*, Y18176*, Y18301*, Y27241*, Y24673*.
Identifiers: ClinVar variation 4785525 (VCV004785525.1).
Genomic context (GRCh38, chr2:178,564,409, plus strand): 5'-ACTACTATCAGATGGTTCACTAAAGTTTCCAGCTGCATTTCTTGCAATTACTCTAAATTC[A>C]TATCTTTGGTCTTCTACAAGTCCACTCACTGTAAATTCAGTTTCTAATACGTTGGTAAAG-3'